The following is an entry in ClinVar:

NM_001854.4(COL11A1):c.1191del (p.Asn398fs)

Gene: COL11A1 (collagen type XI alpha 1 chain; minus strand). Cytogenetic location: 1p21.1.
Variant type: Deletion.
Coding change: c.1191del on transcript NM_001854.4 (MANE Select); coding-DNA position 1191, one base deleted (T; older notation c.1191delT).
Protein change: p.Asn398fs; shifts the reading frame from asparagine 398.
Molecular consequence: frameshift variant. On other transcripts: non-coding transcript variant (1), intron variant (1).
Genome position (GRCh38, 1-based): chr1:103,022,796, A deleted on the plus strand (T on the coding strand, the reverse complement: COL11A1 is on the minus strand). VCF-style (leftmost placement, unchanged base first): chr1-103022795-TA-T. GRCh37 (hg19) VCF-style: chr1-103488351-TA-T.
Other names: p.Asn398Metfs*19; c.1191del (NM_001854.3); c.1074del, p.Asn359fs (NM_001190709.2); c.1227del, p.Asn410fs (NM_080629.3); c.898-1027del (NM_080630.4); c.1191delT (NM_001854.3); short protein forms N410fs, N398fs, N359fs.
Identifiers: ClinVar variation 2202829 (VCV002202829.8), dbSNP rs2525581300, ClinGen allele CA2574450321.

ClinVar aggregate classification (germline): Pathogenic. Review status: criteria provided, multiple submitters, no conflicts (2 of 4 stars). 6 submissions from 6 submitters: Pathogenic (6). Last evaluated 2025-12-03.

Conditions:
Stickler syndrome type 2 (STL2). Also called: STICKLER SYNDROME, BEADED VITREOUS TYPE; STICKLER SYNDROME, VITREOUS TYPE 2; STICKLER SYNDROME, TYPE II; COL11A1-Related Stickler Syndrome. Identifiers: Orphanet 828, Orphanet 90654, MedGen C1858084, MONDO:0011493, OMIM 604841.
Autosomal dominant COL11A1-related disorders.

Allele frequency attached by ClinVar (database versions not stated): gnomAD exomes below 0.00001.

Submissions (6):

Variantyx, Inc.
Classification: Pathogenic for Autosomal dominant COL11A1-related disorders. Last evaluated: 2025-12-03. Review status: criteria provided, single submitter. Criteria: Variantyx Assertion Criteria 2022. Collection method: clinical testing. Allele origin: germline. Inheritance: Autosomal dominant inheritance. Affected: yes.
Comment: This is a frameshift variant in the COL11A1 gene (OMIM: 120280). Pathogenic variants in this gene have been associated with autosomal dominant COL11A1-related disorders. The alteration introduces a premature termination codon in exon 9 out of 67 and is expected to result in loss of function, which is considered to be the disease mechanism for COL11A1 in the autosomal recessive disorder fibrochondrogenesis, though some reports appear to suggest there may be additional considerations regarding this mechanism (PMID: 23026214, 37644014) (PVS1).This variant has been identified in the homozygous state in two individuals reported in the published literature, one of whom was affected with severe myopia (PMID: 23026214), and the other presented with features consistent with mild Stickler syndrome, with apparently normal chondrogenesis, while the carrier parents demonstrated myopia (PMID: 37644014) (PM3). In addition, the variant was reported in the heterozygous state in an individual with impaired hearing (PMID: 39443691). It has a 0.0004% maximum allele frequency in non-founder control populations (PM2). Based on the current evidence, this variant is classified as pathogenic for autosomal dominant COL11A1-related disorders.

GeneDx
Classification: Pathogenic. Last evaluated: 2024-12-05. Review status: criteria provided, single submitter. Criteria: GeneDx Variant Classification Process June 2021. Collection method: clinical testing. Allele origin: germline. Affected: yes.
Comment: Reported with a second variant on the opposite allele (in trans) in a patient with Stickler syndrome in published literature (PMID: 23922384); Frameshift variant predicted to result in protein truncation or nonsense mediated decay in a gene for which loss of function is a known mechanism of disease; Not observed at significant frequency in large population cohorts (gnomAD); This variant is associated with the following publications: (PMID: 23026214, 27124789, 23922384, 37644014)

Genomic Medicine Center of Excellence, King Faisal Specialist Hospital and Research Centre
Classification: Pathogenic for Stickler syndrome type 2. Last evaluated: 2024-03-25. Review status: criteria provided, single submitter. Criteria: ACMG Guidelines, 2015. Collection method: clinical testing. Allele origin: germline.

Victorian Clinical Genetics Services, Murdoch Childrens Research Institute
Classification: Pathogenic for Stickler syndrome type 2. Last evaluated: 2023-07-17. Review status: criteria provided, single submitter. Criteria: ACMG Guidelines, 2015. Collection method: clinical testing. Allele origin: germline. Inheritance: Autosomal recessive inheritance. Affected: yes.
Comment: Based on the classification scheme VCGS_Germline_v1.3.4, this variant is classified as Pathogenic. Following criteria are met: 0102 - Loss of function is a known mechanism of disease in this gene and is associated with COL11A1-related skeletal dysplasias and autosomal dominant deafness 37 (MIM#618533). Dominant negative is also a suggested mechanism (OMIM). (I) 0108 - This gene is associated with both recessive and dominant disease. Both missense variants and those predicted to result in a truncated protein have been associated with autosomal recessive and dominant disease. Additionally, autosomal recessive Stickler syndrome is usually caused by variants affecting exon 9 (PMID: 32578940, PMID: 25073711). (I) 0115 - Variants in this gene causing Stickler syndrome are known to have variable expressivity (PMID: 27081569). (I) 0201 - Variant is predicted to cause nonsense-mediated decay (NMD) and loss of protein (premature termination codon is located at least 54 nucleotides upstream of the final exon-exon junction). (SP) 0219 - This variant is non-coding in an alternative transcript. However, this variant is coding in the ClinVar predominant transcript, with multiple other pathogenic variants also found within this exon. A publication has suggested that variants with premature termination codons in exon 9, consequently result in milder disease, as they are non-coding in the cartilage-specific isoform (UCSC, PMID: 23922384). (I) 0251 - This variant is heterozygous. (I) 0301 - Variant is absent from gnomAD (both v2 and v3). (SP) 0701 - Other NMD-predicted variants comparable to the one identified in this case have very strong previous evidence for pathogenicity. These variants have been reported many times as pathogenic (DECIPHER), with several within this exon reported in individuals with nonsyndromic hearing loss (PMID: 35885918, PMID: 32371413, ClinVar). (SP) 0802 - This variant has moderate previous evidence of pathogenicity in unrelated individuals. This variant has been reported as pathogenic and likely pathogenic (ClinVar, LOVD), and has been observed in a compound heterozygous and homozygous individual with cleft palate and hearing loss (PMID: 23026214, PMID: 23922384). (SP) 0905 - No published segregation evidence has been identified for this variant. (I) 1208 - Inheritance information for this variant is not currently available in this individual. (I) Legend: (SP) - Supporting pathogenic, (I) - Information, (SB) - Supporting benign

Mayo Clinic Laboratories, Mayo Clinic
Classification: Pathogenic. Last evaluated: 2022-10-19. Review status: criteria provided, single submitter. Criteria: ACMG Guidelines, 2015. Collection method: clinical testing. Allele origin: germline. Observed: 1 variant allele.
Comment: PM2, PM3_strong, PVS1

Labcorp Genetics (formerly Invitae), Labcorp
Classification: Pathogenic. Last evaluated: 2022-08-24. Review status: criteria provided, single submitter. Criteria: Invitae Variant Classification Sherloc (09022015). Collection method: clinical testing. Allele origin: germline.
Comment: This sequence change creates a premature translational stop signal (p.Asn398Metfs*19) in the COL11A1 gene. It is expected to result in an absent or disrupted protein product. Loss-of-function variants in COL11A1 are known to be pathogenic (PMID: 20513134, 21035103, 23922384, 25240749, 32427345, 32756486). This variant is not present in population databases (gnomAD no frequency). This premature translational stop signal has been observed in individual(s) with COL11A1-related conditions (PMID: 23026214, 27124789). For these reasons, this variant has been classified as Pathogenic.

Literature cited by the submitters: PubMed 23026214 (cited by 4 submitters); PubMed 37644014 (cited by Variantyx, Inc.); PubMed 23922384 (cited by 3 submitters); PubMed 25073711 (cited by Victorian Clinical Genetics Services, Murdoch Childrens Research Institute); PubMed 27081569 (cited by Victorian Clinical Genetics Services, Murdoch Childrens Research Institute); PubMed 32371413 (cited by Victorian Clinical Genetics Services, Murdoch Childrens Research Institute); PubMed 32578940 (cited by Victorian Clinical Genetics Services, Murdoch Childrens Research Institute); PubMed 35885918 (cited by Victorian Clinical Genetics Services, Murdoch Childrens Research Institute and Mayo Clinic Laboratories, Mayo Clinic); PubMed 20513134 (cited by Labcorp Genetics (formerly Invitae), Labcorp); PubMed 21035103 (cited by Labcorp Genetics (formerly Invitae), Labcorp); PubMed 25240749 (cited by Labcorp Genetics (formerly Invitae), Labcorp); PubMed 32427345 (cited by Labcorp Genetics (formerly Invitae), Labcorp); PubMed 32756486 (cited by Labcorp Genetics (formerly Invitae), Labcorp); PubMed 27124789 (cited by Labcorp Genetics (formerly Invitae), Labcorp).